The following continues an entry in ClinVar:

NM_000275.3(OCA2):c.2359G>A (p.Ala787Thr)

Gene: OCA2. ClinVar aggregate classification (germline): Pathogenic/Likely pathogenic. Pathogenic (15); Likely pathogenic (1).

Submissions 13 to 16 of 16:

Juno Genomics, Hangzhou Juno Genomics, Inc
Classification: Pathogenic for SKIN/HAIR/EYE PIGMENTATION 1, BLUE/NONBLUE EYES; Tyrosinase-positive oculocutaneous albinism. Review status: criteria provided, single submitter. Criteria: ACMG Guidelines, 2015. Collection method: clinical testing. Allele origin: germline. Affected: yes.
Comment: Absent from controls (or at extremely low frequency if recessive) in Genome Aggregation Database, Exome Sequencing Project, 1000 Genomes Project, or Exome Aggregation Consortium.;Multiple lines of computational evidence support a deleterious effect on the gene or gene product (conservation, evolutionary, splicing impact, etc).;Novel missense change at an amino acid residue where a different missense change determined to be pathogenic has been seen before.;For recessive disorders, detected in trans with a pathogenic variant.;Co-segregation with disease in multiple affected family members in a gene definitively known to cause the disease.;Patient's phenotype or family history is highly specific for a disease with a single genetic etiology.

Juno Genomics, Hangzhou Juno Genomics, Inc
Classification: Pathogenic for Tyrosinase-positive oculocutaneous albinism. Review status: criteria provided, single submitter. Criteria: ACMG Guidelines, 2015. Collection method: clinical testing. Allele origin: germline.
Comment: Absent from controls (or at extremely low frequency if recessive) in Genome Aggregation Database.;Multiple lines of computational evidence support a deleterious effect on the gene or gene product.;Novel missense change at an amino acid residue where a different missense change determined to be pathogenic has been seen before.;For recessive disorders, detected in trans with a pathogenic variant.;Co-segregation with disease in multiple affected family members.;Patient's phenotype or family history is highly specific for a disease with a single genetic etiology.

Laboratoire de Génétique Moléculaire, CHU Bordeaux
Classification: Likely pathogenic for Tyrosinase-positive oculocutaneous albinism. Review status: criteria provided, single submitter. Criteria: ACMG Guidelines, 2015. Collection method: clinical testing. Allele origin: germline. Affected: yes.

Neuberg Centre For Genomic Medicine, NCGM
Classification: Pathogenic for Tyrosinase-positive oculocutaneous albinism. Review status: criteria provided, single submitter. Criteria: ACMG Guidelines, 2015. Collection method: clinical testing. Allele origin: germline. Inheritance: Autosomal recessive inheritance. Affected: yes.
Comment: "The OCA2 (c.2359G>A) (p.Ala787Thr) variant has been reported in homozygous state in individuals affected with Oculocutaneous albinism in Indian populations. Haplotype analysis revealed p. Ala787Thr mutation as a founder mutation (M. Sengupta et. al. 2010). The allele frequency (0.004374%) in the gnomAD and novel in 1000 genome database. The amino acid change p.Ala787Thr in OCA2 is predicted as conserved by GERP++ and PhyloP across 100 vertebrates. The amino acid Ala at position 787 is changed to a Thr changing protein sequence and it might alter its composition and physico-chemical properties. The variant is predicted to be damaging by both SIFT and PolyPhen2. For these reasons, this variant has been classified as Pathogenic.

Literature cited by the submitters: PubMed 17160937 (cited by Labcorp Genetics (formerly Invitae), Labcorp and Laboratory for Molecular Medicine, Mass General Brigham Personalized Medicine); PubMed 20426782 (cited by Labcorp Genetics (formerly Invitae), Labcorp and Laboratory for Molecular Medicine, Mass General Brigham Personalized Medicine); PubMed 25455140 (cited by Labcorp Genetics (formerly Invitae), Labcorp and Laboratory for Molecular Medicine, Mass General Brigham Personalized Medicine); PubMed 20861488 (cited by Labcorp Genetics (formerly Invitae), Labcorp); PubMed 23744323 (cited by Labcorp Genetics (formerly Invitae), Labcorp); PubMed 26165494 (cited by Labcorp Genetics (formerly Invitae), Labcorp); PubMed 29345414 (cited by Women's Health and Genetics/Laboratory Corporation of America, LabCorp); PubMed 32969595 (cited by Laboratory for Molecular Medicine, Mass General Brigham Personalized Medicine); PubMed 28976636 (cited by Laboratory for Molecular Medicine, Mass General Brigham Personalized Medicine).